The following is an entry in ClinVar:

NM_005172.2(ATOH1):c.823C>T (p.Arg275Cys)

Gene: ATOH1 (atonal bHLH transcription factor 1; plus strand). Cytogenetic location: 4q22.2.
Variant type: single nucleotide variant.
Coding change: c.823C>T on transcript NM_005172.2 (MANE Select); coding-DNA position 823, C replaced by T.
Protein change: p.Arg275Cys; replaces arginine 275 with cysteine.
Molecular consequence: missense variant.
Genome position (GRCh38, 1-based): chr4:93,829,749, C>T. VCF-style: chr4-93829749-C-T. GRCh37 (hg19) VCF-style: chr4-94750900-C-T.
Other names: short protein forms R275C.
Identifiers: ClinVar variation 3131128 (VCV003131128.2), dbSNP rs199789935, ClinGen allele CA3012832.
Genomic context (GRCh38, chr4:93,829,749, plus strand): 5'-GGGGCTCAGCAGGCTTCCGGAGGGAGCCAGCGGCCGACCCCGCCCGGGAGTTGCCGGACT[C>T]GCTTCTCAGCCCCAGCTTCTGCGGGAGGGTACTCGGTGCAGCTGGACGCTCTGCACTTCT-3'
Protein context (NP_005163.1, residues 265-285): RPTPPGSCRT[Arg275Cys]FSAPASAGGY

ClinVar aggregate classification (germline): Uncertain significance. Review status: criteria provided, multiple submitters, no conflicts (2 of 4 stars). 2 submissions from 2 submitters: Uncertain significance (2). Last evaluated 2026-07-28.

Conditions:
ATOH1-related disorder. Also called: ATOH1-related condition.

Allele frequency attached by ClinVar (database versions not stated): gnomAD 0.00003; TOPMed 0.00003; ExAC 0.00004; ESP Exome Variant Server 0.00008; 1000 Genomes Project 30x 0.00016; 1000 Genomes Project 0.00020.

Submissions (2):

PreventionGenetics, part of Exact Sciences
Classification: Uncertain significance for ATOH1-related condition. Last evaluated: 2026-07-28. Review status: criteria provided, single submitter. Criteria: ACMG Guidelines, 2015. Collection method: clinical testing. Allele origin: germline.
Comment: The ATOH1 c.823C>T variant is predicted to result in the amino acid substitution p.Arg275Cys. To our knowledge, this variant has not been reported in the literature. This variant is reported in 0.047% of alleles in individuals of East Asian descent in gnomAD. At this time, the clinical significance of this variant is uncertain due to the absence of conclusive functional and genetic evidence.

Ambry Genetics
Classification: Uncertain significance. Last evaluated: 2024-01-16. Review status: criteria provided, single submitter. Criteria: Ambry Variant Classification Scheme 2023. Collection method: clinical testing. Allele origin: germline.